The following is an entry in ClinVar:

ClinVar aggregate classification (germline): Uncertain significance (1 of 4 stars; one submission).

Allele frequency attached by ClinVar (database versions not stated): gnomAD exomes 0.00001; ExAC 0.00002; TOPMed 0.00002; gnomAD 0.00003.
gnomAD v4.1: 16 of 1,613,376 alleles (0.00099%); highest among the groups gnomAD compares: Admixed American, 0.0017%; no homozygotes.

Submission:

Labcorp Genetics (formerly Invitae), Labcorp
Classification: Uncertain significance. Last evaluated: 2024-06-29. Review status: criteria provided, single submitter. Criteria: Invitae Variant Classification Sherloc (09022015). Collection method: clinical testing. Allele origin: germline.
Comment: This sequence change affects codon 220 of the AUTS2 mRNA. It is a 'silent' change, meaning that it does not change the encoded amino acid sequence of the AUTS2 protein. It affects a nucleotide within the consensus splice site. This variant is present in population databases (rs766569162, gnomAD 0.002%). This variant has not been reported in the literature in individuals affected with AUTS2-related conditions. Algorithms developed to predict the effect of sequence changes on RNA splicing suggest that this variant is not likely to affect RNA splicing. In summary, the available evidence is currently insufficient to determine the role of this variant in disease. Therefore, it has been classified as a Variant of Uncertain Significance.

NM_015570.4(AUTS2):c.660C>T (p.Phe220=)

Gene: AUTS2 (activator of transcription and developmental regulator AUTS2; plus strand). Cytogenetic location: 7q11.22.
Variant type: single nucleotide variant.
Coding change: c.660C>T on transcript NM_015570.4 (MANE Select); coding-DNA position 660, C replaced by T.
Protein change: p.Phe220=; no amino-acid change (phenylalanine 220 retained).
Molecular consequence: synonymous variant.
Genome position (GRCh38, 1-based): chr7:70,134,571, C>T. VCF-style: chr7-70134571-C-T. GRCh37 (hg19) VCF-style: chr7-69599557-C-T.
Other names: c.660C>T, p.Phe220= (NM_001127231.3, NM_001127232.3).
Identifiers: ClinVar variation 2712896 (VCV002712896.3), dbSNP rs766569162, ClinGen allele CA4280388.